The following is an entry in ClinVar:

NM_001039141.3(TRIOBP):c.2355_2356del (p.Arg785fs)

Gene: TRIOBP (TRIO and F-actin binding protein; plus strand). Cytogenetic location: 22q13.1.
Variant type: Microsatellite.
Coding change: c.2355_2356del on transcript NM_001039141.3 (MANE Select); coding-DNA positions 2355 to 2356, 2 bases deleted (AG; older notation c.2355_2356delAG).
Protein change: p.Arg785fs; shifts the reading frame from arginine 785.
Molecular consequence: frameshift variant.
Genome position (GRCh38, 1-based): chr22:37,724,911-37,724,912, AG deleted; deleting any 2 consecutive bases within chr22:37,724,909-37,724,912 gives the same sequence; the c. name uses the placement nearest the transcript's 3' end. VCF-style (leftmost placement, unchanged base first): chr22-37724908-TAG-T. GRCh37 (hg19) VCF-style: chr22-38120915-TAG-T.
Other names: short protein forms R785fs.
Identifiers: ClinVar variation 3382233 (VCV003382233.2).

ClinVar aggregate classification (germline): Pathogenic (1 of 4 stars; one submission).

Conditions:
Autosomal recessive nonsyndromic hearing loss 28. Identifiers: Orphanet 90636, MedGen C1853276, MONDO:0012355, OMIM 609823.

Submission:

Juno Genomics, Hangzhou Juno Genomics, Inc
Classification: Pathogenic for Autosomal recessive nonsyndromic hearing loss 28. Review status: criteria provided, single submitter. Criteria: ACMG Guidelines, 2015. Collection method: clinical testing. Allele origin: germline. Affected: yes.
Comment: Absent from controls (or at extremely low frequency if recessive) in Genome Aggregation Database, Exome Sequencing Project, 1000 Genomes Project, or Exome Aggregation Consortium.;Null variant in a gene where loss of function (LOF) is a known mechanism of disease.;For recessive disorders, detected in trans with a pathogenic variant.